The following is an entry in ClinVar:

NM_001190274.2(FBXO11):c.233-7A>G

Gene: FBXO11 (F-box protein 11; minus strand). Cytogenetic location: 2p16.3.
Variant type: single nucleotide variant.
Coding change: c.233-7A>G on transcript NM_001190274.2 (MANE Select); 7 bases into the intron before coding-DNA position 233, A replaced by G.
Molecular consequence: intron variant.
Genome position (GRCh38, 1-based): chr2:47,839,776, T>C on the plus strand (A>G on the coding strand, the complement: FBXO11 is on the minus strand). VCF-style: chr2-47839776-T-C. GRCh37 (hg19) VCF-style: chr2-48066915-T-C.
Other names: c.-20-7A>G (NM_001374325.1, NM_025133.4).
Identifiers: ClinVar variation 774813 (VCV000774813.34), dbSNP rs150563177, ClinGen allele CA1650213.

ClinVar aggregate classification (germline): Likely benign. Review status: criteria provided, multiple submitters, no conflicts (2 of 4 stars). 4 submissions from 4 submitters: Likely benign (4). Last evaluated 2026-04-01.

Allele frequency attached by ClinVar (database versions not stated): 1000 Genomes Project 30x 0.00094; 1000 Genomes Project 0.00100; gnomAD 0.00127 and 0.00175; gnomAD exomes 0.00192; TOPMed 0.00200; ESP Exome Variant Server 0.00215.
gnomAD v4.1: 3,016 of 1,600,942 alleles (0.19%); highest among the groups gnomAD compares: Non-Finnish European, 0.22%; 10 homozygotes.

Submissions (4):

CeGaT Center for Human Genetics Tuebingen
Classification: Likely benign. Last evaluated: 2026-04-01. Review status: criteria provided, single submitter. Criteria: CeGaT Center For Human Genetics Tuebingen Variant Classification Criteria Version 2. Collection method: clinical testing. Allele origin: germline. Affected: yes. Observed: 4 variant alleles.
Comment: FBXO11: BP4, BS1

Labcorp Genetics (formerly Invitae), Labcorp
Classification: Likely benign. Last evaluated: 2026-01-26. Review status: criteria provided, single submitter. Criteria: Invitae Variant Classification Sherloc (09022015). Collection method: clinical testing. Allele origin: germline.

Blueprint Genetics
Classification: Likely benign. Last evaluated: 2024-11-26. Review status: criteria provided, single submitter. Criteria: ACMG Guidelines, 2015. Collection method: clinical testing. Allele origin: germline.

Breakthrough Genomics
Classification: Likely benign. Review status: criteria provided, single submitter. Criteria: ACMG Guidelines, 2015. Collection method: not provided. Allele origin: germline. Inheritance: Autosomal dominant inheritance. Affected: yes.